The following is an entry in ClinVar:

ClinVar aggregate classification (germline): Likely benign (1 of 4 stars; one submission).

Conditions:
NRP1-related disorder. Also called: NRP1-related condition.

gnomAD v4.1: 4 of 1,594,228 alleles (0.00025%); highest among the groups gnomAD compares: Non-Finnish European, 0.00026%; no homozygotes.

Submission:

PreventionGenetics, part of Exact Sciences
Classification: Likely benign for NRP1-related condition. Last evaluated: 2025-07-28. Review status: criteria provided, single submitter. Criteria: ACMG Guidelines, 2015. Collection method: clinical testing. Allele origin: germline.
Comment: This variant is classified as likely benign based on ACMG/AMP sequence variant interpretation guidelines (Richards et al. 2015 PMID: 25741868, with internal and published modifications).

NM_003873.7(NRP1):c.74-8C>A

Gene: NRP1 (neuropilin 1; minus strand). Cytogenetic location: 10p11.22.
Variant type: single nucleotide variant.
Coding change: c.74-8C>A on transcript NM_003873.7 (MANE Select); 8 bases into the intron before coding-DNA position 74, C replaced by A.
Molecular consequence: intron variant.
Genome position (GRCh38, 1-based): chr10:33,330,890, G>T on the plus strand (C>A on the coding strand, the complement: NRP1 is on the minus strand). VCF-style: chr10-33330890-G-T. GRCh37 (hg19) VCF-style: chr10-33619818-G-T.
Other names: c.74-8C>A (NM_001244973.2, NM_001244972.2, NM_001330068.2 and 2 more transcripts).
Identifiers: ClinVar variation 4999649 (VCV004999649.1).